The following is an entry in ClinVar:

ClinVar aggregate classification (germline): Uncertain significance (1 of 4 stars; one submission).

Conditions:
Severe combined immunodeficiency, autosomal recessive, T cell-negative, B cell-negative, NK cell-positive. Also called: Severe combined immunodeficiency due to complete RAG1/2 deficiency; SCID, AR, T-cell negative, B-cell negative, NK cell-positive; SCID, T CELL-NEGATIVE, B CELL-NEGATIVE, NK CELL-POSITIVE. Identifiers: Orphanet 331206, MedGen C1832322, MONDO:0011086, OMIM 601457.
Combined immunodeficiency with skin granulomas. Identifiers: Orphanet 157949, MedGen C2673536, MONDO:0009306, OMIM 233650.

gnomAD v4.1: 2 of 1,614,010 alleles (0.00012%); highest among the groups gnomAD compares: Non-Finnish European, 0.00017%; no homozygotes.

Submission:

Labcorp Genetics (formerly Invitae), Labcorp
Classification: Uncertain significance for Combined immunodeficiency with skin granulomas; Severe combined immunodeficiency, autosomal recessive, T cell-negative, B cell-negative, NK cell-positive. Last evaluated: 2022-07-04. Review status: criteria provided, single submitter. Criteria: Invitae Variant Classification Sherloc (09022015). Collection method: clinical testing. Allele origin: germline.
Comment: This sequence change replaces tryptophan, which is neutral and slightly polar, with cysteine, which is neutral and slightly polar, at codon 172 of the RAG2 protein (p.Trp172Cys). This variant is present in population databases (no rsID available, gnomAD 0.007%). This variant has not been reported in the literature in individuals affected with RAG2-related conditions. Advanced modeling of protein sequence and biophysical properties (such as structural, functional, and spatial information, amino acid conservation, physicochemical variation, residue mobility, and thermodynamic stability) performed at Invitae indicates that this missense variant is expected to disrupt RAG2 protein function. In summary, the available evidence is currently insufficient to determine the role of this variant in disease. Therefore, it has been classified as a Variant of Uncertain Significance.

NM_000536.4(RAG2):c.516G>C (p.Trp172Cys)

Gene: RAG2 (recombination activating 2; minus strand). Cytogenetic location: 11p12.
Variant type: single nucleotide variant.
Coding change: c.516G>C on transcript NM_000536.4 (MANE Select); coding-DNA position 516, G replaced by C.
Protein change: p.Trp172Cys; replaces tryptophan 172 with cysteine.
Molecular consequence: missense variant.
Genome position (GRCh38, 1-based): chr11:36,593,653, C>G on the plus strand (G>C on the coding strand, the complement: RAG2 is on the minus strand). VCF-style: chr11-36593653-C-G. GRCh37 (hg19) VCF-style: chr11-36615203-C-G.
Other names: c.516G>C, p.Trp172Cys (NM_001243785.2, NM_001243786.2); short protein forms W172C.
Identifiers: ClinVar variation 2014160 (VCV002014160.1), dbSNP rs1182932466, ClinGen allele CA380142724.
Genomic context (GRCh38, chr11:36,593,653, plus strand): 5'-AGCACACCCAAATTCAAAATCCACCAGGAAAACACAGGGCAGGCAGTCAGCTACACTATT[C>G]CATTTTTCTGTGGTTCTGTGGGTAGAAGGCATGTATGAGCGTCCTCCAAAGAGAACACCC-3'
Protein context (NP_000527.2, residues 162-182): MPSTHRTTEK[Trp172Cys]NSVADCLPCV